The following is an entry in ClinVar:

NM_000038.6(APC):c.6474C>T (p.Pro2158=)

Gene: APC (APC regulator of Wnt signaling pathway; plus strand). Cytogenetic location: 5q22.2.
Variant type: single nucleotide variant.
Coding change: c.6474C>T on transcript NM_000038.6 (MANE Select); coding-DNA position 6474, C replaced by T.
Protein change: p.Pro2158=; no amino-acid change (proline 2158 retained).
Molecular consequence: synonymous variant.
Genome position (GRCh38, 1-based): chr5:112,842,068, C>T. VCF-style: chr5-112842068-C-T. GRCh37 (hg19) VCF-style: chr5-112177765-C-T.
Other names: c.6474C>T, p.Pro2158= (NM_001127510.3, NM_001354895.2); c.6420C>T, p.Pro2140= (NM_001127511.3); c.6528C>T, p.Pro2176= (NM_001354896.2); c.6504C>T, p.Pro2168= (NM_001354897.2); c.6399C>T, p.Pro2133= (NM_001354898.2); c.6390C>T, p.Pro2130= (NM_001354899.2); c.6351C>T, p.Pro2117= (NM_001354900.2); c.6297C>T, p.Pro2099= (NM_001354901.2); and 5 more.
Identifiers: ClinVar variation 619776 (VCV000619776.20), dbSNP rs772027192, ClinGen allele CA044956.

ClinVar aggregate classification (germline): Benign/Likely benign. Review status: criteria provided, multiple submitters, no conflicts (2 of 4 stars). 5 submissions from 5 submitters: Benign (1); Likely benign (4). Last evaluated 2025-10-18.

Conditions:
Hereditary cancer-predisposing syndrome. Also called: Neoplastic Syndromes, Hereditary; Hereditary neoplastic syndrome; Tumor predisposition; Hereditary Cancer Syndrome. Identifiers: Orphanet 140162, MedGen C0027672, MeSH D009386, MONDO:0015356.
Familial adenomatous polyposis 1 (FAP1). Also called: FAMILIAL ADENOMATOUS POLYPOSIS 1, ATTENUATED; POLYPOSIS, ADENOMATOUS INTESTINAL. Identifiers: MedGen C2713442, MONDO:0021056, OMIM 175100. Disease mechanism: loss of function.

Allele frequency attached by ClinVar (database versions not stated): ExAC 0.00001; TOPMed 0.00001.
gnomAD v4.1: 3 of 1,612,310 alleles (0.00019%); highest among the groups gnomAD compares: African/African-American, 0.004%; no homozygotes.

Submissions (5):

Labcorp Genetics (formerly Invitae), Labcorp
Classification: Likely benign for Familial adenomatous polyposis 1. Last evaluated: 2025-10-18. Review status: criteria provided, single submitter. Criteria: Invitae Variant Classification Sherloc (09022015). Collection method: clinical testing. Allele origin: germline.

Myriad Genetics, Inc.
Classification: Benign for Familial adenomatous polyposis 1. Last evaluated: 2024-04-04. Review status: criteria provided, single submitter. Criteria: Myriad Autosomal Dominant, Autosomal Recessive and X-Linked Classification Criteria (2023). Collection method: clinical testing. Allele origin: unknown.
Comment: This variant is considered benign. This variant is a silent/synonymous amino acid change and it is not expected to impact splicing.

Color Diagnostics, LLC DBA Color Health
Classification: Likely benign for Hereditary cancer-predisposing syndrome. Last evaluated: 2023-05-31. Review status: criteria provided, single submitter. Criteria: ACMG Guidelines, 2015. Collection method: clinical testing. Allele origin: germline.

Ambry Genetics
Classification: Likely benign for Hereditary cancer-predisposing syndrome. Last evaluated: 2018-06-20. Review status: criteria provided, single submitter. Criteria: Ambry Variant Classification Scheme 2023. Collection method: clinical testing. Allele origin: germline.

Quest Diagnostics Nichols Institute San Juan Capistrano
Classification: Likely benign. Last evaluated: 2018-04-11. Review status: criteria provided, single submitter. Criteria: Quest Diagnostics criteria. Collection method: clinical testing. Allele origin: germline.